The following is an entry in ClinVar:

NM_001165963.4(SCN1A):c.3573T>C (p.Cys1191=)

Genes: SCN1A (sodium voltage-gated channel alpha subunit 1; minus strand), LOC102724058 (uncharacterized LOC102724058; plus strand). Cytogenetic location: 2q24.3.
Variant type: single nucleotide variant.
Coding change: c.3573T>C on transcript NM_001165963.4 (MANE Select); coding-DNA position 3573, T replaced by C.
Protein change: p.Cys1191=; no amino-acid change (cysteine 1191 retained).
Molecular consequence: synonymous variant. On other transcripts: non-coding transcript variant (1).
Genome position (GRCh38, 1-based): chr2:166,013,876, A>G on the plus strand (T>C on the coding strand, the complement: SCN1A is on the minus strand). VCF-style: chr2-166013876-A-G. GRCh37 (hg19) VCF-style: chr2-166870386-A-G.
Other names: c.3489T>C, p.Cys1163= (NM_001165964.3, NM_001353957.2, NM_001353958.2); c.3573T>C, p.Cys1191= (NM_001202435.3, NM_001353948.2); c.3540T>C, p.Cys1180= (NM_001353949.2, NM_001353950.2, NM_001353951.2 and 2 more transcripts); c.3537T>C, p.Cys1179= (NM_001353954.2, NM_001353955.2); c.3486T>C, p.Cys1162= (NM_001353960.2); c.1131T>C, p.Cys377= (NM_001353961.2).
Identifiers: ClinVar variation 331885 (VCV000331885.25), dbSNP rs750943685, ClinGen allele CA1942919.

ClinVar aggregate classification (germline): Conflicting classifications of pathogenicity. Review status: criteria provided, conflicting classifications (1 of 4 stars). 6 submissions from 5 submitters: Uncertain significance (1); Benign (1); Likely benign (4). Last evaluated 2025-11-03.

Conditions:
Early-infantile DEE. Also called: Early infantile epileptic encephalopathy; Early infantile epileptic encephalopathy with suppression bursts; Ohtahara syndrome. Identifiers: Orphanet 1934, MedGen C0393706, MONDO:0800491.
Inborn genetic diseases. Identifiers: MedGen C0950123, MeSH D030342.
Generalized epilepsy with febrile seizures plus, type 2 (GEFSP2). Also called: GEFS+, TYPE 2. Identifiers: Orphanet 36387, MedGen C1858673, MONDO:0011461, OMIM 604403.
Migraine, familial hemiplegic, 3. Identifiers: Orphanet 569, MedGen C1864987, MONDO:0012320, OMIM 609634.

Allele frequency attached by ClinVar (database versions not stated): gnomAD 0.00001; gnomAD exomes 0.00001 and 0.00007; ExAC 0.00005; TOPMed 0.00007.
gnomAD v4.1: 22 of 1,611,864 alleles (0.0014%); highest among the groups gnomAD compares: Admixed American, 0.02%; no homozygotes.

Submissions (6):

Labcorp Genetics (formerly Invitae), Labcorp
Classification: Likely benign for Early-infantile DEE. Last evaluated: 2025-11-03. Review status: criteria provided, single submitter. Criteria: Invitae Variant Classification Sherloc (09022015). Collection method: clinical testing. Allele origin: germline.

Women's Health and Genetics/Laboratory Corporation of America, LabCorp
Classification: Benign. Last evaluated: 2024-11-13. Review status: criteria provided, single submitter. Criteria: LabCorp Variant Classification Summary - May 2015. Collection method: clinical testing. Allele origin: germline.

GeneDx
Classification: Likely benign. Last evaluated: 2021-05-27. Review status: criteria provided, single submitter. Criteria: GeneDx Variant Classification Process June 2021. Collection method: clinical testing. Allele origin: germline. Affected: yes.

Ambry Genetics
Classification: Likely benign for Inborn genetic diseases. Last evaluated: 2018-06-21. Review status: criteria provided, single submitter. Criteria: Ambry Variant Classification Scheme 2023. Collection method: clinical testing. Allele origin: germline.

Illumina Laboratory Services, Illumina
Classification: Likely benign for Migraine, familial hemiplegic, 3. Last evaluated: 2018-01-12. Review status: criteria provided, single submitter. Criteria: ICSL Variant Classification Criteria 13 December 2019. Collection method: clinical testing. Allele origin: germline.
Comment: This variant was observed in the ICSL laboratory as part of a predisposition screen in an ostensibly healthy population. It had not been previously curated by ICSL or reported in the Human Gene Mutation Database (HGMD: prior to June 1st, 2018), and was therefore a candidate for classification through an automated scoring system. Utilizing variant allele frequency, disease prevalence and penetrance estimates, and inheritance mode, an automated score was calculated to assess if this variant is too frequent to cause the disease. Based on the score and internal cut-off values, a variant classified as likely benign is not then subjected to further curation. The score for this variant resulted in a classification of likely benign for this disease.

Illumina Laboratory Services, Illumina
Classification: Uncertain significance for Generalized epilepsy with febrile seizures plus, type 2. Last evaluated: 2018-01-12. Review status: criteria provided, single submitter. Criteria: ICSL Variant Classification Criteria 13 December 2019. Collection method: clinical testing. Allele origin: germline.